The following is an entry in ClinVar:

NM_006493.4(CLN5):c.925_926del (p.Leu309fs)

Gene: CLN5 (CLN5 lysosomal BMP synthase; plus strand). Cytogenetic location: 13q22.3.
Variant type: Deletion.
Coding change: c.925_926del on transcript NM_006493.4 (MANE Select); coding-DNA positions 925 to 926, 2 bases deleted (TT; older notation c.925_926delTT).
Protein change: p.Leu309fs; shifts the reading frame from leucine 309.
Molecular consequence: frameshift variant. On other transcripts: 3 prime UTR variant (1).
Genome position (GRCh38, 1-based): chr13:77,000,817-77,000,818, TT deleted. VCF-style (leftmost placement, unchanged base first): chr13-77000816-CTT-C. GRCh37 (hg19) VCF-style: chr13-77574951-CTT-C.
Other names: c.*374_*375del (NM_001366624.2); c.1072_1073del (LRG_692t1); short protein forms L309fs.
Identifiers: ClinVar variation 56527 (VCV000056527.2), dbSNP rs386833965, ClinGen allele CA263877.
Genomic context (GRCh38, chr13:77,000,816, plus strand): 5'-AAAAAGATTTTATTACCCCTTCAAACCACATTTGCCAACTAAAGAATTTCTGTTGAGTCT[CTT>C]GCAAATTTTTGATGCAGTGATTGTGCACAAACAGTTCTATTTGTTTTATAATTTTGAATA-3'

ClinVar aggregate classification (germline): Likely pathogenic (0 of 4 stars; one submission).

Conditions:
Neuronal ceroid lipofuscinosis 5 (CLN5). Also called: CEROID LIPOFUSCINOSIS, NEURONAL, 5, VARIABLE AGE AT ONSET; Neuronal ceroid lipofuscinosis Finnish variant; NEURONAL CEROID LIPOFUSCINOSIS, LATE INFANTILE, FINNISH VARIANT; CLN5-Related Neuronal Ceroid-Lipofuscinosis. Identifiers: Orphanet 168491, Orphanet 228360, MedGen C1850442, MONDO:0009745, OMIM 256731.

Allele frequency attached by ClinVar (database versions not stated): gnomAD exomes below 0.00001.

Submission:

Juha Muilu Group; Institute for Molecular Medicine Finland (FIMM)
Classification: Likely pathogenic for Ceroid lipofuscinosis neuronal 5. Review status: no assertion criteria provided. Collection method: not provided. Allele origin: unknown.
Comment: FinDis database variant: This variant was not found or characterized by our laboratory, data were collected from public sources: see reference
ClinVar note: Converted during submission from probable-pathogenic to Likely pathogenic.